The following is an entry in ClinVar:

NM_000232.5(SGCB):c.544A>G (p.Thr182Ala)

Gene: SGCB (sarcoglycan beta; minus strand). Cytogenetic location: 4q12.
Variant type: single nucleotide variant.
Coding change: c.544A>G on transcript NM_000232.5 (MANE Select); coding-DNA position 544, A replaced by G.
Protein change: p.Thr182Ala; replaces threonine 182 with alanine.
Molecular consequence: missense variant.
Genome position (GRCh38, 1-based): chr4:52,028,807, T>C on the plus strand (A>G on the coding strand, the complement: SGCB is on the minus strand). VCF-style: chr4-52028807-T-C. GRCh37 (hg19) VCF-style: chr4-52894973-T-C.
Other names: short protein forms T182A.
Identifiers: ClinVar variation 2203542 (VCV002203542.8), dbSNP rs751427686, ClinGen allele CA356876835.

ClinVar aggregate classification (germline): Pathogenic/Likely pathogenic. Review status: criteria provided, multiple submitters, no conflicts (2 of 4 stars). 4 submissions from 3 submitters: Pathogenic (1); Likely pathogenic (3). Last evaluated 2024-03-28.

Conditions:
Autosomal recessive limb-girdle muscular dystrophy type 2E (LGMDR4). Also called: MUSCULAR DYSTROPHY, LIMB-GIRDLE, AUTOSOMAL RECESSIVE 4. Identifiers: Orphanet 119, MedGen C1858593, MONDO:0011423, OMIM 604286. Disease mechanism: Affects gamma-sarcoglycan and also disrupts the integrity of the entire sarcoglycan complex..
Sialidosis. Identifiers: Orphanet 309294, MedGen C0268226, MONDO:0017734.
Autosomal recessive limb-girdle muscular dystrophy. Identifiers: Orphanet 102015, MedGen C2931907, MONDO:0015152.

Submissions (4):

Fulgent Genetics
Classification: Likely pathogenic for Autosomal recessive limb-girdle muscular dystrophy type 2E. Last evaluated: 2024-03-28. Review status: criteria provided, single submitter. Criteria: ACMG Guidelines, 2015. Collection method: clinical testing. Allele origin: germline.

Women's Health and Genetics/Laboratory Corporation of America, LabCorp
Classification: Likely pathogenic for Autosomal recessive limb-girdle muscular dystrophy. Last evaluated: 2024-03-26. Review status: criteria provided, single submitter. Criteria: LabCorp Variant Classification Summary - May 2015. Collection method: clinical testing. Allele origin: germline.
Comment: Variant summary: SGCB c.544A>G (p.Thr182Ala) results in a non-conservative amino acid change in the encoded protein sequence. Five of five in-silico tools predict a damaging effect of the variant on protein function. The variant was absent in 251424 control chromosomes. c.544A>G has been reported in the literature in individuals affected with Duchenne-like Muscular Dystrophy, Autosomal Recessive (Duggan_1997). Additionally, another missense variant affecting the same codon (p.Thr182Pro) has been classified on the pathogenic spectrum in ClinVar. These data indicate that the variant may be associated with disease. To our knowledge, no experimental evidence demonstrating an impact on protein function has been reported. The following publication have been ascertained in the context of this evaluation (PMID: 9032047). ClinVar contains an entry for this variant (Variation ID: 2203542). Based on the evidence outlined above, the variant was classified as likely pathogenic.

Women's Health and Genetics/Laboratory Corporation of America, LabCorp
Classification: Likely pathogenic for Sialidosis. Last evaluated: 2024-03-26. Review status: criteria provided, single submitter. Criteria: LabCorp Variant Classification Summary - May 2015. Collection method: clinical testing. Allele origin: germline.
Comment: Variant summary: NEU1 c.544A>G (p.Ser182Gly) results in a non-conservative amino acid change located in the Sialidase domain of the encoded protein sequence. Three of five in-silico tools predict a benign effect of the variant on protein function. The variant allele was found at a frequency of 9.5e-05 in 241352 control chromosomes (gnomAD and publications). This frequency is not significantly higher than expected for a pathogenic variant in NEU1 causing Sialidosis (9.5e-05 vs 0.0011), allowing no conclusion about variant significance. c.544A>G has been reported in the literature in multiple individuals affected with Sialidosis (Chen_2006, Lukong_2000). These data indicate that the variant is very likely to be associated with disease. At least one publication reports experimental evidence evaluating an impact on protein function (Chen_2006, Lukong_2000). The most pronounced variant effect results in <10% of normal activity. A ClinVar submission from a clinical diagnostic laboratory (evaluation after 2014) cites the variant as likely pathogenic. Based on the evidence outlined above, the variant was classified as pathogenic.

Labcorp Genetics (formerly Invitae), Labcorp
Classification: Pathogenic for Autosomal recessive limb-girdle muscular dystrophy type 2E. Last evaluated: 2022-04-26. Review status: criteria provided, single submitter. Criteria: Invitae Variant Classification Sherloc (09022015). Collection method: clinical testing. Allele origin: germline.
Comment: This sequence change replaces threonine, which is neutral and polar, with alanine, which is neutral and non-polar, at codon 182 of the SGCB protein (p.Thr182Ala). This variant is not present in population databases (gnomAD no frequency). This missense change has been observed in individual(s) with clinical features of limb-girdle muscular dystrophy (PMID: 9032047; Invitae). In at least one individual the data is consistent with being in trans (on the opposite chromosome) from a pathogenic variant. Algorithms developed to predict the effect of missense changes on protein structure and function (SIFT, PolyPhen-2, Align-GVGD) all suggest that this variant is likely to be disruptive. This variant disrupts the p.Thr182 amino acid residue in SGCB. Other variant(s) that disrupt this residue have been determined to be pathogenic (PMID: 33250842; Invitae). This suggests that this residue is clinically significant, and that variants that disrupt this residue are likely to be disease-causing. For these reasons, this variant has been classified as Pathogenic.

Literature cited by the submitters: PubMed 9032047 (cited by Women's Health and Genetics/Laboratory Corporation of America, LabCorp and Labcorp Genetics (formerly Invitae), Labcorp); PubMed 33250842 (cited by Labcorp Genetics (formerly Invitae), Labcorp).